The following is an entry in ClinVar:

NM_003998.4(NFKB1):c.2581del (p.Asp861fs)

Gene: NFKB1 (nuclear factor kappa B subunit 1; plus strand). Cytogenetic location: 4q24.
Variant type: Deletion.
Coding change: c.2581del on transcript NM_003998.4 (MANE Select); coding-DNA position 2581, one base deleted (G; older notation c.2581delG).
Protein change: p.Asp861fs; shifts the reading frame from aspartic acid 861.
Molecular consequence: frameshift variant.
Genome position (GRCh38, 1-based): chr4:102,612,595, G deleted; the last of 2 consecutive G bases (chr4:102,612,594-102,612,595); deleting either gives the same sequence. VCF-style (leftmost placement, unchanged base first): chr4-102612593-TG-T. GRCh37 (hg19) VCF-style: chr4-103533750-TG-T.
Other names: c.2578del, p.Asp860fs (NM_001165412.2, NM_001319226.2, NM_001382627.1); c.2581del, p.Asp861fs (NM_001382625.1, NM_001382626.1); c.2539del, p.Asp847fs (NM_001382628.1); short protein forms D860fs, D861fs, D847fs.
Identifiers: ClinVar variation 4813744 (VCV004813744.1), dbSNP rs2149230988.

ClinVar aggregate classification (germline): Likely pathogenic (1 of 4 stars; one submission).

Conditions:
Immunodeficiency, common variable, 12 (CVID12). Also called: NFKB1 DEFICIENCY; IMMUNODEFICIENCY, COMMON VARIABLE, 12, WITH AUTOIMMUNITY. Identifiers: Orphanet 1572, Orphanet 696874, MedGen C4225277, MONDO:0014697, OMIM 616576.

Submission:

Variantyx, Inc.
Classification: Likely pathogenic for Immunodeficiency, common variable, 12. Last evaluated: 2025-05-21. Review status: criteria provided, single submitter. Criteria: Variantyx Assertion Criteria 2022. Collection method: clinical testing. Allele origin: germline. Inheritance: Autosomal dominant inheritance. Affected: yes.
Comment: This is a frameshift variant in the NFKB1 gene (OMIM: 164011). Pathogenic variants in this gene have been associated with autosomal dominant common variable immunodeficiency 12. This variant introduces a premature termination codon in exon 22 out of 24 and is expected to result in loss of function, which is a known disease mechanism for NFKB1 in this disorder (PMID: 26279205, 29477724) (PVS1). This variant is absent from control populations (PM2) and has not been reported in individuals with NFKB1-related disorders in the databases available for review. Based on the current evidence, this variant is classified as likely pathogenic for autosomal dominant common variable immunodeficiency 12.

Literature cited by the submitters: PubMed 26279205; PubMed 29477724.